The following is an entry in ClinVar:

ClinVar aggregate classification (germline): Uncertain significance. Review status: criteria provided, multiple submitters, no conflicts (2 of 4 stars). 2 submissions from 2 submitters: Uncertain significance (2). Last evaluated 2025-04-08.

Conditions:
Hereditary cancer-predisposing syndrome. Also called: Tumor predisposition; Hereditary neoplastic syndrome; Neoplastic Syndromes, Hereditary; Hereditary Cancer Syndrome. Identifiers: Orphanet 140162, MedGen C0027672, MeSH D009386, MONDO:0015356.
Cardiovascular phenotype. Identifiers: MedGen CN230736.
Neurofibromatosis, type 1 (NF1). Also called: Peripheral type neurofibromatosis; NEUROFIBROMATOSIS, TYPE I, SOMATIC; Neurofibromatosis, type I; VON RECKLINGHAUSEN DISEASE. Identifiers: Orphanet 636, MedGen C0027831, MONDO:0018975, OMIM 162200. Disease mechanism: loss of function.

Submissions (2):

Labcorp Genetics (formerly Invitae), Labcorp
Classification: Uncertain significance for Neurofibromatosis, type 1. Last evaluated: 2025-04-08. Review status: criteria provided, single submitter. Criteria: Invitae Variant Classification Sherloc (09022015). Collection method: clinical testing. Allele origin: germline.
Comment: This sequence change replaces methionine, which is neutral and non-polar, with valine, which is neutral and non-polar, at codon 867 of the NF1 protein (p.Met867Val). This variant is not present in population databases (gnomAD no frequency). This variant has not been reported in the literature in individuals affected with NF1-related conditions. ClinVar contains an entry for this variant (Variation ID: 220990). Invitae Evidence Modeling of protein sequence and biophysical properties (such as structural, functional, and spatial information, amino acid conservation, physicochemical variation, residue mobility, and thermodynamic stability) has been performed for this missense variant. However, the output from this modeling did not meet the statistical confidence thresholds required to predict the impact of this variant on NF1 protein function. In summary, the available evidence is currently insufficient to determine the role of this variant in disease. Therefore, it has been classified as a Variant of Uncertain Significance.

Ambry Genetics
Classification: Uncertain significance for Cardiovascular phenotype; Hereditary cancer-predisposing syndrome. Last evaluated: 2021-06-14. Review status: criteria provided, single submitter. Criteria: Ambry Variant Classification Scheme 2023. Collection method: clinical testing. Allele origin: germline.
Comment: The p.M867V variant (also known as c.2599A>G), located in coding exon 21 of the NF1 gene, results from an A to G substitution at nucleotide position 2599. The methionine at codon 867 is replaced by valine, an amino acid with highly similar properties. This amino acid position is highly conserved in available vertebrate species. In addition, this alteration is predicted to be deleterious by in silico analysis. Since supporting evidence is limited at this time, the clinical significance of this alteration remains unclear.

NM_001042492.3(NF1):c.2599A>G (p.Met867Val)

Gene: NF1 (neurofibromin 1; plus strand). Cytogenetic location: 17q11.2.
Variant type: single nucleotide variant.
Coding change: c.2599A>G on transcript NM_001042492.3 (MANE Select); coding-DNA position 2599, A replaced by G.
Protein change: p.Met867Val; replaces methionine 867 with valine.
Molecular consequence: missense variant.
Genome position (GRCh38, 1-based): chr17:31,229,214, A>G. VCF-style: chr17-31229214-A-G. GRCh37 (hg19) VCF-style: chr17-29556232-A-G.
Other names: c.2599A>G, p.Met867Val (NM_000267.4); short protein forms M867V.
Identifiers: ClinVar variation 220990 (VCV000220990.11), dbSNP rs864622715, ClinGen allele CA348994.